The following is an entry in ClinVar:

NM_004924.6(ACTN4):c.256C>G (p.Leu86Val)

Gene: ACTN4 (actinin alpha 4; plus strand). Cytogenetic location: 19q13.2.
Variant type: single nucleotide variant.
Coding change: c.256C>G on transcript NM_004924.6 (MANE Select); coding-DNA position 256, C replaced by G.
Protein change: p.Leu86Val; replaces leucine 86 with valine.
Molecular consequence: missense variant.
Genome position (GRCh38, 1-based): chr19:38,700,693, C>G. VCF-style: chr19-38700693-C-G. GRCh37 (hg19) VCF-style: chr19-39191333-C-G.
Other names: c.256C>G, p.Leu86Val (NM_001322033.2); c.256C>G (NM_004924.5); short protein forms L86V.
Identifiers: ClinVar variation 1016494 (VCV001016494.8), dbSNP rs550398621, ClinGen allele CA9417209.

ClinVar aggregate classification (germline): Uncertain significance. Review status: criteria provided, multiple submitters, no conflicts (2 of 4 stars). 2 submissions from 2 submitters: Uncertain significance (2). Last evaluated 2026-06-10.

Conditions:
ACTN4-related disorder. Also called: ACTN4-related condition.

Allele frequency attached by ClinVar (database versions not stated): gnomAD 0.00001; gnomAD exomes 0.00001; ExAC 0.00002; 1000 Genomes Project 30x 0.00016; 1000 Genomes Project 0.00020.
gnomAD v4.1: 3 of 1,614,008 alleles (0.00019%); highest among the groups gnomAD compares: East Asian, 0.0067%; no homozygotes.

Submissions (2):

PreventionGenetics, part of Exact Sciences
Classification: Uncertain significance for ACTN4-related condition. Last evaluated: 2026-06-10. Review status: criteria provided, single submitter. Criteria: ACMG Guidelines, 2015. Collection method: clinical testing. Allele origin: germline.
Comment: The ACTN4 c.256C>G variant is predicted to result in the amino acid substitution p.Leu86Val. To our knowledge, this variant has not been reported in the literature. This variant is reported in 0.011% of alleles in individuals of East Asian descent in gnomAD. At this time, the clinical significance of this variant is uncertain due to the absence of conclusive functional and genetic evidence.

Labcorp Genetics (formerly Invitae), Labcorp
Classification: Uncertain significance. Last evaluated: 2020-10-15. Review status: criteria provided, single submitter. Criteria: Invitae Variant Classification Sherloc (09022015). Collection method: clinical testing. Allele origin: germline.
Comment: In summary, the available evidence is currently insufficient to determine the role of this variant in disease. Therefore, it has been classified as a Variant of Uncertain Significance. Algorithms developed to predict the effect of missense changes on protein structure and function are either unavailable or do not agree on the potential impact of this missense change (SIFT: "Not Available"; PolyPhen-2: "Probably Damaging"; Align-GVGD: "Not Available"). This variant has not been reported in the literature in individuals with ACTN4-related conditions. This variant is present in population databases (rs550398621, ExAC 0.02%). This sequence change replaces leucine with valine at codon 86 of the ACTN4 protein (p.Leu86Val). The leucine residue is highly conserved and there is a small physicochemical difference between leucine and valine.